The following is an entry in ClinVar:

ClinVar aggregate classification (germline): Uncertain significance (1 of 4 stars; one submission).

Allele frequency attached by ClinVar (database versions not stated): TOPMed below 0.00001; ExAC 0.00002; gnomAD exomes 0.00002.
gnomAD v4.1: 27 of 1,613,790 alleles (0.0017%); highest among the groups gnomAD compares: South Asian, 0.029%; no homozygotes.

Submission:

Labcorp Genetics (formerly Invitae), Labcorp
Classification: Uncertain significance. Last evaluated: 2022-01-06. Review status: criteria provided, single submitter. Criteria: Invitae Variant Classification Sherloc (09022015). Collection method: clinical testing. Allele origin: germline.
Comment: In summary, the available evidence is currently insufficient to determine the role of this variant in disease. Therefore, it has been classified as a Variant of Uncertain Significance. Variants that disrupt the consensus splice site are a relatively common cause of aberrant splicing (PMID: 17576681, 9536098). Algorithms developed to predict the effect of sequence changes on RNA splicing suggest that this variant may disrupt the consensus splice site. This sequence change falls in intron 6 of the RTN4IP1 gene. It does not directly change the encoded amino acid sequence of the RTN4IP1 protein. It affects a nucleotide within the consensus splice site. This variant is present in population databases (rs769494053, gnomAD 0.02%). This variant has not been reported in the literature in individuals affected with RTN4IP1-related conditions.

Literature cited by the submitters: PubMed 17576681; PubMed 9536098.

NM_032730.5(RTN4IP1):c.806+3A>G

Gene: RTN4IP1 (reticulon 4 interacting protein 1; minus strand). Cytogenetic location: 6q21.
Variant type: single nucleotide variant.
Coding change: c.806+3A>G on transcript NM_032730.5 (MANE Select); 3 bases into the intron after coding-DNA position 806, A replaced by G.
Molecular consequence: intron variant.
Genome position (GRCh38, 1-based): chr6:106,592,161, T>C on the plus strand (A>G on the coding strand, the complement: RTN4IP1 is on the minus strand). VCF-style: chr6-106592161-T-C. GRCh37 (hg19) VCF-style: chr6-107040036-T-C.
Other names: c.506+3A>G (NM_001318746.1).
Identifiers: ClinVar variation 1369460 (VCV001369460.6), dbSNP rs769494053, ClinGen allele CA3944364.